The following is an entry in ClinVar:

NM_004311.4(ARL3):c.41C>G (p.Pro14Arg)

Gene: ARL3 (ARF like GTPase 3; minus strand). Cytogenetic location: 10q24.32.
Variant type: single nucleotide variant.
Coding change: c.41C>G on transcript NM_004311.4 (MANE Select); coding-DNA position 41, C replaced by G.
Protein change: p.Pro14Arg; replaces proline 14 with arginine.
Molecular consequence: missense variant.
Genome position (GRCh38, 1-based): chr10:102,705,452, G>C on the plus strand (C>G on the coding strand, the complement: ARL3 is on the minus strand). VCF-style: chr10-102705452-G-C. GRCh37 (hg19) VCF-style: chr10-104465209-G-C.
Other names: short protein forms P14R.
Identifiers: ClinVar variation 3694504 (VCV003694504.3).
Genomic context (GRCh38, chr10:102,705,452, plus strand): 5'-AGAAGAGTGGTCTTGCCAGCATTATCCAAGCCCAGGAGAAGTATTCTCACCTCCTGGTCT[G>C]GTGCACTTTTCAACTTGCGCAAAATTGAGAGCAAGCCCTTCAACAACCACAAAGGAGACA-3'
Protein context (NP_004302.1, residues 4-24): LSILRKLKSA[Pro14Arg]DQEVRILLLG

ClinVar aggregate classification (germline): Uncertain significance. Review status: criteria provided, multiple submitters, no conflicts (2 of 4 stars). 2 submissions from 2 submitters: Uncertain significance (2). Last evaluated 2024-10-09.

gnomAD v4.1: 26 of 1,605,952 alleles (0.0016%); highest among the groups gnomAD compares: Non-Finnish European, 0.0022%; no homozygotes.

Submissions (2):

Labcorp Genetics (formerly Invitae), Labcorp
Classification: Uncertain significance. Last evaluated: 2024-10-09. Review status: criteria provided, single submitter. Criteria: Invitae Variant Classification Sherloc (09022015). Collection method: clinical testing. Allele origin: germline.
Comment: This sequence change replaces proline, which is neutral and non-polar, with arginine, which is basic and polar, at codon 14 of the ARL3 protein (p.Pro14Arg). This variant is present in population databases (rs781663223, gnomAD 0.004%). This variant has not been reported in the literature in individuals affected with ARL3-related conditions. An algorithm developed to predict the effect of missense changes on protein structure and function (PolyPhen-2) suggests that this variant is likely to be disruptive. In summary, the available evidence is currently insufficient to determine the role of this variant in disease. Therefore, it has been classified as a Variant of Uncertain Significance.

Blueprint Genetics
Classification: Uncertain significance. Last evaluated: 2024-04-10. Review status: criteria provided, single submitter. Criteria: ACMG Guidelines, 2015. Collection method: clinical testing. Allele origin: germline.